The following is an entry in ClinVar:

NM_005989.4(AKR1D1):c.*1100A>G

Gene: AKR1D1 (aldo-keto reductase family 1 member D1; plus strand). Cytogenetic location: 7q33.
Variant type: single nucleotide variant.
Coding change: c.*1100A>G on transcript NM_005989.4 (MANE Select); 1100 bases downstream of the stop codon, A replaced by G.
Molecular consequence: 3 prime UTR variant.
Genome position (GRCh38, 1-based): chr7:138,117,762, A>G. VCF-style: chr7-138117762-A-G. GRCh37 (hg19) VCF-style: chr7-137802508-A-G.
Other names: c.*1100A>G (NM_001190906.2); c.*1125A>G (NM_001190907.2).
Identifiers: ClinVar variation 910281 (VCV000910281.4), dbSNP rs188178547, ClinGen allele CA167101517.
Genomic context (GRCh38, chr7:138,117,762, plus strand): 5'-TCTATTTTCAATTCAACTACAGAAATATATTTTATTGGCCGGGTGCGGTGGCTCATGCCT[A>G]TAATCCCAGCACTTTGGGAGGCCAAGGTGGGCAGATCAGGAGGTCAGGAGATCGAGACCA-3'

ClinVar aggregate classification (germline): Likely benign (1 of 4 stars; one submission).

Conditions:
Congenital bile acid synthesis defect 2 (CBAS2). Also called: CHOLESTASIS WITH DELTA(4)-3-OXOSTEROID 5-BETA-REDUCTASE DEFICIENCY. Identifiers: Orphanet 79303, MedGen C1856127, MONDO:0009339, OMIM 235555.

Allele frequency attached by ClinVar (database versions not stated): gnomAD 0.00228 and 0.00250; 1000 Genomes Project 0.00300; 1000 Genomes Project 30x 0.00422.

Submission:

Illumina Laboratory Services, Illumina
Classification: Likely benign for Congenital bile acid synthesis defect 2. Last evaluated: 2018-01-12. Review status: criteria provided, single submitter. Criteria: ICSL Variant Classification Criteria 13 December 2019. Collection method: clinical testing. Allele origin: germline.
Comment: This variant was observed in the ICSL laboratory as part of a predisposition screen in an ostensibly healthy population. It had not been previously curated by ICSL or reported in the Human Gene Mutation Database (HGMD: prior to June 1st, 2018), and was therefore a candidate for classification through an automated scoring system. Utilizing variant allele frequency, disease prevalence and penetrance estimates, and inheritance mode, an automated score was calculated to assess if this variant is too frequent to cause the disease. Based on the score and internal cut-off values, a variant classified as likely benign is not then subjected to further curation. The score for this variant resulted in a classification of likely benign for this disease.